The following is an entry in ClinVar:

NM_005188.4(CBL):c.1945A>G (p.Met649Val)

Gene: CBL (Cbl proto-oncogene; plus strand). Cytogenetic location: 11q23.3.
Variant type: single nucleotide variant.
Coding change: c.1945A>G on transcript NM_005188.4 (MANE Select); coding-DNA position 1945, A replaced by G.
Protein change: p.Met649Val; replaces methionine 649 with valine.
Molecular consequence: missense variant.
Genome position (GRCh38, 1-based): chr11:119,287,855, A>G. VCF-style: chr11-119287855-A-G. GRCh37 (hg19) VCF-style: chr11-119158565-A-G.
Other names: short protein forms M649V.
Identifiers: ClinVar variation 374799 (VCV000374799.9), dbSNP rs769423231, ClinGen allele CA6318646.

ClinVar aggregate classification (germline): Uncertain significance. Review status: criteria provided, multiple submitters, no conflicts (2 of 4 stars). 2 submissions from 2 submitters: Uncertain significance (2). Last evaluated 2024-07-25.

Conditions:
CBL-related disorder. Also called: CBL MUTATION-ASSOCIATED SYNDROME; CBL SYNDROME; NOONAN SYNDROME-LIKE DISORDER WITHOUT JUVENILE MYELOMONOCYTIC LEUKEMIA. Identifiers: Orphanet 363972, MedGen C3150803, MONDO:0013308, OMIM 613563.
RASopathy. Also called: rasopathies; Noonan spectrum disorder. Identifiers: Orphanet 536391, MedGen C5555857, MONDO:0021060.

Allele frequency attached by ClinVar (database versions not stated): gnomAD exomes below 0.00001; ExAC 0.00001.
gnomAD v4.1: 1 of 1,605,560 alleles (0.000062%); highest among the groups gnomAD compares: Admixed American, 0.0017%; no homozygotes.

Submissions (2):

Labcorp Genetics (formerly Invitae), Labcorp
Classification: Uncertain significance for RASopathy. Last evaluated: 2024-07-25. Review status: criteria provided, single submitter. Criteria: Invitae Variant Classification Sherloc (09022015). Collection method: clinical testing. Allele origin: germline.
Comment: This sequence change replaces methionine, which is neutral and non-polar, with valine, which is neutral and non-polar, at codon 649 of the CBL protein (p.Met649Val). This variant is not present in population databases (gnomAD no frequency). This variant has not been reported in the literature in individuals affected with CBL-related conditions. ClinVar contains an entry for this variant (Variation ID: 374799). Advanced modeling of protein sequence and biophysical properties (such as structural, functional, and spatial information, amino acid conservation, physicochemical variation, residue mobility, and thermodynamic stability) performed at Invitae indicates that this missense variant is not expected to disrupt CBL protein function with a negative predictive value of 95%. In summary, the available evidence is currently insufficient to determine the role of this variant in disease. Therefore, it has been classified as a Variant of Uncertain Significance.

Genomic Diagnostic Laboratory, Division of Genomic Diagnostics, Children's Hospital of Philadelphia
Classification: Uncertain significance for Noonan syndrome-like disorder with or without juvenile myelomonocytic leukemia. Last evaluated: 2016-09-03. Review status: criteria provided, single submitter. Criteria: DGD Variant Analysis Guidelines. Collection method: clinical testing. Allele origin: germline. Affected: yes. Observed: 1 variant allele.
Comment: Clinical Testing